The following is an entry in ClinVar:

ClinVar aggregate classification (germline): Uncertain significance (1 of 4 stars; one submission).

Conditions:
Dyskeratosis congenita. Identifiers: Orphanet 1775, MedGen C0265965, MONDO:0015780.

gnomAD v4.1: 3 of 1,605,418 alleles (0.00019%); highest among the groups gnomAD compares: African/African-American, 0.004%; no homozygotes.

Submission:

Labcorp Genetics (formerly Invitae), Labcorp
Classification: Uncertain significance for Dyskeratosis congenita. Last evaluated: 2025-06-04. Review status: criteria provided, single submitter. Criteria: Invitae Variant Classification Sherloc (09022015). Collection method: clinical testing. Allele origin: germline.
Comment: This sequence change replaces valine, which is neutral and non-polar, with aspartic acid, which is acidic and polar, at codon 362 of the CTC1 protein (p.Val362Asp). This variant is not present in population databases (gnomAD no frequency). This variant has not been reported in the literature in individuals affected with CTC1-related conditions. ClinVar contains an entry for this variant (Variation ID: 2073131). Invitae Evidence Modeling of protein sequence and biophysical properties (such as structural, functional, and spatial information, amino acid conservation, physicochemical variation, residue mobility, and thermodynamic stability) indicates that this missense variant is expected to disrupt CTC1 protein function with a positive predictive value of 80%. In summary, the available evidence is currently insufficient to determine the role of this variant in disease. Therefore, it has been classified as a Variant of Uncertain Significance.

NM_025099.6(CTC1):c.1085T>A (p.Val362Asp)

Gene: CTC1 (CST telomere replication complex component 1; minus strand). Cytogenetic location: 17p13.1.
Variant type: single nucleotide variant.
Coding change: c.1085T>A on transcript NM_025099.6 (MANE Select); coding-DNA position 1085, T replaced by A.
Protein change: p.Val362Asp; replaces valine 362 with aspartic acid.
Molecular consequence: missense variant. On other transcripts: non-coding transcript variant (1).
Genome position (GRCh38, 1-based): chr17:8,235,952, A>T on the plus strand (T>A on the coding strand, the complement: CTC1 is on the minus strand). VCF-style: chr17-8235952-A-T. GRCh37 (hg19) VCF-style: chr17-8139270-A-T.
Other names: c.1085T>A, p.Val362Asp (NM_001411067.1); short protein forms V362D.
Identifiers: ClinVar variation 2073131 (VCV002073131.4), dbSNP rs374867923, ClinGen allele CA287537254.
Genomic context (GRCh38, chr17:8,235,952, plus strand): 5'-CAGAGCCCCAGCTGCCCATCCAGCTCATAGAGGCCAGCGGGCTCATTCAACACGCCAGTG[A>T]CTGCTCCCTGCAAACAGGCCGAGGTCCAGTTGACCACTATTTTCTTCCTCTTTGAAAACC-3'
Protein context (NP_079375.3, residues 352-372): YSRLLSYSGA[Val362Asp]TGVLNEPAGL